The following is an entry in ClinVar:

ClinVar aggregate classification (germline): Uncertain significance (1 of 4 stars; one submission).

Conditions:
Cardiovascular phenotype. Identifiers: MedGen CN230736.

Submission:

Ambry Genetics
Classification: Uncertain significance for Cardiovascular phenotype. Last evaluated: 2023-01-17. Review status: criteria provided, single submitter. Criteria: Ambry Variant Classification Scheme 2023. Collection method: clinical testing. Allele origin: germline.
Comment: The p.Y2096S variant (also known as c.6287A>C), located in coding exon 8 of the ALMS1 gene, results from an A to C substitution at nucleotide position 6287. The tyrosine at codon 2096 is replaced by serine, an amino acid with dissimilar properties. This amino acid position is not well conserved in available vertebrate species. In addition, this alteration is predicted to be tolerated by in silico analysis. Since supporting evidence is limited at this time, the clinical significance of this alteration remains unclear.

NM_001378454.1(ALMS1):c.6284A>C (p.Tyr2095Ser)

Gene: ALMS1 (ALMS1 centrosome and basal body associated protein; plus strand). Cytogenetic location: 2p13.1.
Variant type: single nucleotide variant.
Coding change: c.6284A>C on transcript NM_001378454.1 (MANE Select); coding-DNA position 6284, A replaced by C.
Protein change: p.Tyr2095Ser; replaces tyrosine 2095 with serine.
Molecular consequence: missense variant.
Genome position (GRCh38, 1-based): chr2:73,452,811, A>C. VCF-style: chr2-73452811-A-C. GRCh37 (hg19) VCF-style: chr2-73679938-A-C.
Other names: c.6287A>C, p.Tyr2096Ser (NM_015120.4); short protein forms Y2096S, Y2095S.
Identifiers: ClinVar variation 2449594 (VCV002449594.2), dbSNP rs1671975964, ClinGen allele CA347285532.